The following is an entry in ClinVar:

NM_002335.4(LRP5):c.963C>A (p.Cys321Ter)

Gene: LRP5 (LDL receptor related protein 5; plus strand). Cytogenetic location: 11q13.2.
Variant type: single nucleotide variant.
Coding change: c.963C>A on transcript NM_002335.4 (MANE Select); coding-DNA position 963, C replaced by A.
Protein change: p.Cys321Ter; replaces cysteine 321 with a stop codon.
Molecular consequence: nonsense. On other transcripts: 5 prime UTR variant (1).
Genome position (GRCh38, 1-based): chr11:68,365,650, C>A. VCF-style: chr11-68365650-C-A. GRCh37 (hg19) VCF-style: chr11-68133118-C-A.
Other names: c.963C>A (NM_002335.3); c.-803C>A (NM_001291902.2); short protein forms C321*.
Identifiers: ClinVar variation 3650105 (VCV003650105.3).
Genomic context (GRCh38, chr11:68,365,650, plus strand): 5'-GGACAATGGCGGCTGCTCCCACCTGTGCCTGCTGTCCCCAAGCGAGCCTTTCTACACATG[C>A]GCCTGCCCCACGGGTGTGCAGCTGCAGGACAACGGCAGGACGTGTAAGGCAGGTGAGGCG-3'

ClinVar aggregate classification (germline): Pathogenic/Likely pathogenic. Review status: criteria provided, multiple submitters, no conflicts (2 of 4 stars). 2 submissions from 2 submitters: Pathogenic (1); Likely pathogenic (1). Last evaluated 2026-06-24.

Conditions:
LRP5-related disorder. Also called: LRP5-related condition.

Submissions (2):

PreventionGenetics, part of Exact Sciences
Classification: Likely pathogenic for LRP5-related condition. Last evaluated: 2026-06-24. Review status: criteria provided, single submitter. Criteria: ACMG Guidelines, 2015. Collection method: clinical testing. Allele origin: germline.
Comment: The LRP5 c.963C>A variant is predicted to result in premature protein termination (p.Cys321*). To our knowledge, this variant has not been reported in the literature or in a large population database (gnomAD), indicating this variant is rare. indicating this variant is rare. Nonsense variants in LRP5 are expected to be pathogenic. This variant is interpreted as likely pathogenic.

Labcorp Genetics (formerly Invitae), Labcorp
Classification: Pathogenic. Last evaluated: 2024-05-08. Review status: criteria provided, single submitter. Criteria: Invitae Variant Classification Sherloc (09022015). Collection method: clinical testing. Allele origin: germline.
Comment: This sequence change creates a premature translational stop signal (p.Cys321*) in the LRP5 gene. It is expected to result in an absent or disrupted protein product. Loss-of-function variants in LRP5 are known to be pathogenic (PMID: 11719191, 16252235, 25711638). This variant is not present in population databases (gnomAD no frequency). This variant has not been reported in the literature in individuals affected with LRP5-related conditions. For these reasons, this variant has been classified as Pathogenic.

Literature cited by the submitters: PubMed 11719191 (cited by Labcorp Genetics (formerly Invitae), Labcorp); PubMed 16252235 (cited by Labcorp Genetics (formerly Invitae), Labcorp); PubMed 25711638 (cited by Labcorp Genetics (formerly Invitae), Labcorp).